The following is an entry in ClinVar:

NM_001687.5(ATP5F1D):c.99T>C (p.Ser33=)

Genes: ATP5F1D (ATP synthase F1 subunit delta; plus strand), LOC130062903 (ATAC-STARR-seq lymphoblastoid silent region 9673; plus strand). Cytogenetic location: 19p13.3.
Variant type: single nucleotide variant.
Coding change: c.99T>C on transcript NM_001687.5 (MANE Select); coding-DNA position 99, T replaced by C.
Protein change: p.Ser33=; no amino-acid change (serine 33 retained).
Molecular consequence: synonymous variant.
Genome position (GRCh38, 1-based): chr19:1,241,949, T>C. VCF-style: chr19-1241949-T-C. GRCh37 (hg19) VCF-style: chr19-1241948-T-C.
Other names: c.99T>C, p.Ser33= (NM_001001975.2); c.99T>C (NM_001001975.1).
Identifiers: ClinVar variation 1955875 (VCV001955875.7), dbSNP rs1359183250, ClinGen allele CA504703753.

ClinVar aggregate classification (germline): Likely benign. Review status: criteria provided, single submitter (1 of 4 stars). 2 submissions from 2 submitters: Likely benign (1). 1 of the submissions does not count toward it. Last evaluated 2022-06-30.

Conditions:
ATP5F1D-related disorder. Also called: ATP5F1D-related condition.

Allele frequency attached by ClinVar (database versions not stated): gnomAD exomes below 0.00001; TOPMed below 0.00001; gnomAD 0.00001.
gnomAD v4.1: 6 of 1,496,630 alleles (0.0004%); highest among the groups gnomAD compares: Non-Finnish European, 0.00053%; no homozygotes.

Submissions (2):

Labcorp Genetics (formerly Invitae), Labcorp
Classification: Likely benign. Last evaluated: 2022-06-30. Review status: criteria provided, single submitter. Criteria: Invitae Variant Classification Sherloc (09022015). Collection method: clinical testing. Allele origin: germline.

PreventionGenetics, part of Exact Sciences
Classification: Likely benign for ATP5F1D-related condition. Last evaluated: 2023-12-21. Review status: no assertion criteria provided. Collection method: clinical testing. Allele origin: germline. Not counted in ClinVar's aggregate classification.
Comment: This variant is classified as likely benign based on ACMG/AMP sequence variant interpretation guidelines (Richards et al. 2015 PMID: 25741868, with internal and published modifications).